The following is an entry in ClinVar:

ClinVar aggregate classification (germline): Uncertain significance (1 of 4 stars; one submission).

Conditions:
Noonan syndrome 9 (NS9). Identifiers: Orphanet 648, MedGen C4225282, MONDO:0014691, OMIM 616559.

Submission:

Labcorp Genetics (formerly Invitae), Labcorp
Classification: Uncertain significance for Noonan syndrome 9. Last evaluated: 2024-09-18. Review status: criteria provided, single submitter. Criteria: Invitae Variant Classification Sherloc (09022015). Collection method: clinical testing. Allele origin: germline.
Comment: This sequence change falls in intron 6 of the SOS2 gene. It does not directly change the encoded amino acid sequence of the SOS2 protein. It affects a nucleotide within the consensus splice site. This variant is not present in population databases (gnomAD no frequency). This variant has not been reported in the literature in individuals affected with SOS2-related conditions. Variants that disrupt the consensus splice site are a relatively common cause of aberrant splicing (PMID: 17576681, 9536098). Algorithms developed to predict the effect of sequence changes on RNA splicing suggest that this variant is not likely to affect RNA splicing. In summary, the available evidence is currently insufficient to determine the role of this variant in disease. Therefore, it has been classified as a Variant of Uncertain Significance.

Literature cited by the submitters: PubMed 17576681; PubMed 9536098.

NM_006939.4(SOS2):c.859-3T>C

Gene: SOS2 (SOS Ras/Rho guanine nucleotide exchange factor 2; minus strand). Cytogenetic location: 14q21.3.
Variant type: single nucleotide variant.
Coding change: c.859-3T>C on transcript NM_006939.4 (MANE Select); 3 bases into the intron before coding-DNA position 859, T replaced by C.
Molecular consequence: intron variant.
Genome position (GRCh38, 1-based): chr14:50,180,685, A>G on the plus strand (T>C on the coding strand, the complement: SOS2 is on the minus strand). VCF-style: chr14-50180685-A-G. GRCh37 (hg19) VCF-style: chr14-50647403-A-G.
Other names: c.859-3T>C (NM_001411020.1).
Identifiers: ClinVar variation 3610282 (VCV003610282.2).
Genomic context (GRCh38, chr14:50,180,685, plus strand): 5'-GAAACTCTGGTGAAAGAATGTCCTGTGATAATGTTTCATAAGGATCAAATGCTTGCTCCT[A>G]TTTTTTTAAAAAGAGAAAAAGCATTAGGTTTAAAAGAATATATTTTCTACCAATATGGTA-3'